The following is an entry in ClinVar:

ClinVar aggregate classification (germline): Uncertain significance (1 of 4 stars; one submission).

Conditions:
Severe combined immunodeficiency due to DNA-PKcs deficiency. Also called: IMMUNODEFICIENCY 26 WITH NEUROLOGIC ABNORMALITIES; Immunodeficiency 26 with or without neurologic abnormalities. Identifiers: Orphanet 317425, MedGen C4014833, MONDO:0014423, OMIM 615966.

Allele frequency attached by ClinVar (database versions not stated): ExAC 0.00001; gnomAD exomes 0.00001 and 0.00003; gnomAD 0.00002; TOPMed 0.00002.
gnomAD v4.1: 51 of 1,613,970 alleles (0.0032%); highest among the groups gnomAD compares: Non-Finnish European, 0.0043%; no homozygotes.

Submission:

Labcorp Genetics (formerly Invitae), Labcorp
Classification: Uncertain significance for Severe combined immunodeficiency due to DNA-PKcs deficiency. Last evaluated: 2024-04-22. Review status: criteria provided, single submitter. Criteria: Invitae Variant Classification Sherloc (09022015). Collection method: clinical testing. Allele origin: germline.
Comment: This sequence change replaces lysine, which is basic and polar, with methionine, which is neutral and non-polar, at codon 1628 of the PRKDC protein (p.Lys1628Met). This variant is present in population databases (rs748474858, gnomAD 0.002%). This variant has not been reported in the literature in individuals affected with PRKDC-related conditions. ClinVar contains an entry for this variant (Variation ID: 573430). Advanced modeling of protein sequence and biophysical properties (such as structural, functional, and spatial information, amino acid conservation, physicochemical variation, residue mobility, and thermodynamic stability) performed at Invitae indicates that this missense variant is not expected to disrupt PRKDC protein function with a negative predictive value of 80%. In summary, the available evidence is currently insufficient to determine the role of this variant in disease. Therefore, it has been classified as a Variant of Uncertain Significance.

NM_006904.7(PRKDC):c.4883A>T (p.Lys1628Met)

Gene: PRKDC (protein kinase, DNA-activated, catalytic subunit; minus strand). Cytogenetic location: 8q11.21.
Variant type: single nucleotide variant.
Coding change: c.4883A>T on transcript NM_006904.7 (MANE Select); coding-DNA position 4883, A replaced by T.
Protein change: p.Lys1628Met; replaces lysine 1628 with methionine.
Molecular consequence: missense variant.
Genome position (GRCh38, 1-based): chr8:47,881,991, T>A on the plus strand (A>T on the coding strand, the complement: PRKDC is on the minus strand). VCF-style: chr8-47881991-T-A. GRCh37 (hg19) VCF-style: chr8-48794552-T-A.
Other names: c.4883A>T, p.Lys1628Met (NM_001081640.2); short protein forms K1628M.
Identifiers: ClinVar variation 573430 (VCV000573430.8), dbSNP rs748474858, ClinGen allele CA4740773.